The following is an entry in ClinVar:

NM_001135995.2(ATXN3L):c.865A>T (p.Lys289Ter)

Genes: ATXN3L (ataxin 3 like; minus strand), GS1-600G8.3 (unknown transcript; plus strand). Cytogenetic location: Xp22.2.
Variant type: single nucleotide variant.
Coding change: c.865A>T on transcript NM_001135995.2 (MANE Select); coding-DNA position 865, A replaced by T.
Protein change: p.Lys289Ter; replaces lysine 289 with a stop codon.
Molecular consequence: nonsense. On other transcripts: non-coding transcript variant (1).
Genome position (GRCh38, 1-based): chrX:13,319,070, T>A on the plus strand (A>T on the coding strand, the complement: ATXN3L is on the minus strand). VCF-style: chrX-13319070-T-A. GRCh37 (hg19) VCF-style: chrX-13337189-T-A.
Other names: c.601A>T, p.Lys201Ter (NM_001387036.1); short protein forms K289*, K201*.
Identifiers: ClinVar variation 973116 (VCV000973116.2), dbSNP rs772014789, ClinGen allele CA10350687.
Genomic context (GRCh38, chrX:13,319,070, plus strand): 5'-ATGAACTGTGGCCCGGCAGATCTGACTGTTGTTGCTGCTGCTTCTGTTCCTGCTGATGCT[T>A]TTCAAAATAGTCTTCTTTTATTTTCTTCGGCTGTTCTGAAGCAGGAGTTACACATGATGT-3'

ClinVar aggregate classification (germline): Likely benign (0 of 4 stars; one submission).

Conditions:
Intellectual disability. Also called: intellectual disabilities; Intellectual developmental disorder; Intellectual functioning disability. Identifiers: MedGen C3714756, MeSH D008607, MONDO:0001071, HP:0001249.

Allele frequency attached by ClinVar (database versions not stated): TOPMed 0.00005; gnomAD exomes 0.00002 and 0.00004; gnomAD 0.00003; ExAC 0.00002.

Submission:

Diagnostic Laboratory, Strasbourg University Hospital
Classification: Likely benign for Intellectual disability. Last evaluated: 2017-12-01. Review status: no assertion criteria provided. Collection method: clinical testing. Allele origin: maternal. Affected: yes. Observed: 1 hemizygote.
Comment: MOI : XL. Notion of inbreeding. . Nonsense